The following is an entry in ClinVar:

NM_000277.3(PAH):c.799C>G (p.Gln267Glu)

Gene: PAH (phenylalanine hydroxylase; minus strand). Cytogenetic location: 12q23.2.
Variant type: single nucleotide variant.
Coding change: c.799C>G on transcript NM_000277.3 (MANE Select); coding-DNA position 799, C replaced by G.
Protein change: p.Gln267Glu; replaces glutamine 267 with glutamic acid.
Molecular consequence: missense variant.
Genome position (GRCh38, 1-based): chr12:102,852,858, G>C on the plus strand (C>G on the coding strand, the complement: PAH is on the minus strand). VCF-style: chr12-102852858-G-C. GRCh37 (hg19) VCF-style: chr12-103246636-G-C.
Other names: NM_000277.2(PAH):c.799C>G; c.799C>G, p.Gln267Glu (NM_001354304.2); short protein forms Q267E.
Identifiers: ClinVar variation 102839 (VCV000102839.3), dbSNP rs199475676, ClinGen allele CA229769.
Genomic context (GRCh38, chr12:102,852,858, plus strand): 5'-TGGAGGACAGTACTCACGGTTCGGGGGTATACATGGGCTTGGATCCATGTCTGATGTACT[G>C]TGTGCAGTGGAAGACTCGGAAGGCCAGGCCACCCAAGAAATCCCGAGAGGAAAGCAGGCC-3'
Protein context (NP_000268.1, residues 257-277): GLAFRVFHCT[Gln267Glu]YIRHGSKPMY

ClinVar aggregate classification (germline): Pathogenic. Review status: reviewed by expert panel (3 of 4 stars). 3 submissions from 3 submitters: Pathogenic (1). 2 of the submissions do not count toward it. Last evaluated 2018-12-10.

Conditions:
Phenylketonuria (PKU). Also called: Phenylketonuria (PKU); FOLLING DISEASE; OLIGOPHRENIA PHENYLPYRUVICA; Phenylketonurias. Identifiers: Orphanet 716, MedGen C0031485, MONDO:0009861, OMIM 261600. Disease mechanism: loss of function.

Submissions (3):

ClinGen PAH Variant Curation Expert Panel
Classification: Pathogenic for Phenylketonuria. Last evaluated: 2018-12-10. Review status: reviewed by expert panel. Criteria: ClinGen PAH ACMG Specifications v1. Collection method: curation. Allele origin: germline. Inheritance: Autosomal recessive inheritance.
Comment: The c.799C>G (p.Gln267Glu) variant in PAH was reported in 2 Chinese PKU patients. BH4 deficiencies not completely ruled out. (PMID: 26600521) This variant was detected with known pathogenic variants p.R111X (PMID: 16256386), and D101N (not in ClinVar, PMID: 26600521). It is absent from ExAC, gnomAD, 1000G, and ESP. This variant is predicted deleterious in SIFT, Polyphen2, MutationTaster, and REVEL=0.935. This variant was expressed in e. coli using a rat Q267E mutant. It has 11% activity of wt. based on duplicate determinations of a single clone. (PMID: 7914195). In summary, this variant meets criteria to be classified as pathogenic for PAH. PAH-specific ACMG/AMP criteria applied: PM2, PM3, PS3, PP3, PP4.

Dasa
Classification: Pathogenic. Last evaluated: 2026-03-09. Review status: criteria provided, single submitter. Criteria: DASA Assertion Criteria. Collection method: clinical testing. Allele origin: germline. Not counted in ClinVar's aggregate classification.
Comment: NM_000277.3(PAH):c.799C>G (p.Gln267Glu) is a missense variant that results in the substitution of glutamine with glutamic acid. The affected residue or protein region has prior evidence supporting clinical relevance. This variant has been observed in affected individuals with related phenotype in a genotype context consistent with recessive disease (PMID: 10980574; PMID: 9450897; PMID: 7914195; PMID: 26600521; PMID: 16256386). Functional evidence supports a deleterious effect on the gene or gene product (PMID: 10980574; PMID: 9450897; PMID: 7914195; PMID: 26600521; PMID: 16256386). This variant has been recurrently observed in individuals with related phenotype (PMID: 10980574; PMID: 9450897; PMID: 7914195; PMID: 26600521; PMID: 16256386). Multiple computational predictions support a deleterious effect on the gene or gene product. The variant is present at low frequency in population datasets. Based on the available data, this variant is classified as pathogenic.

DeBelle Laboratory for Biochemical Genetics, MUHC/MCH RESEARCH INSTITUTE
No classification provided. Review status: no classification provided. Collection method: not provided. Allele origin: not provided. Not counted in ClinVar's aggregate classification.

Literature cited by the submitters: PubMed 26600521 (cited by ClinGen PAH Variant Curation Expert Panel and Dasa); PubMed 7914195 (cited by ClinGen PAH Variant Curation Expert Panel and Dasa); PubMed 16256386 (cited by ClinGen PAH Variant Curation Expert Panel and Dasa); PubMed 9450897 (cited by ClinGen PAH Variant Curation Expert Panel and Dasa); PubMed 10980574 (cited by Dasa); PubMed 29316886 (cited by Dasa); PubMed 28982351 (cited by Dasa).